The following is an entry in ClinVar:

NM_033004.4(NLRP1):c.289C>G (p.Pro97Ala)

Gene: NLRP1 (NLR family pyrin domain containing 1; minus strand). Cytogenetic location: 17p13.2.
Variant type: single nucleotide variant.
Coding change: c.289C>G on transcript NM_033004.4 (MANE Select); coding-DNA position 289, C replaced by G.
Protein change: p.Pro97Ala; replaces proline 97 with alanine.
Molecular consequence: missense variant.
Genome position (GRCh38, 1-based): chr17:5,582,829, G>C on the plus strand (C>G on the coding strand, the complement: NLRP1 is on the minus strand). VCF-style: chr17-5582829-G-C. GRCh37 (hg19) VCF-style: chr17-5486149-G-C.
Other names: c.289C>G (NM_033004.3); c.289C>G, p.Pro97Ala (NM_001033053.3, NM_014922.5, NM_033006.4 and 1 more transcripts); short protein forms P97A.
Identifiers: ClinVar variation 1420225 (VCV001420225.10), dbSNP rs200363173, ClinGen allele CA8327614.

ClinVar aggregate classification (germline): Uncertain significance. Review status: criteria provided, multiple submitters, no conflicts (2 of 4 stars). 3 submissions from 3 submitters: Uncertain significance (3). Last evaluated 2025-05-18.

Conditions:
Inborn genetic diseases. Identifiers: MedGen C0950123, MeSH D030342.

gnomAD v4.1: 60 of 1,610,866 alleles (0.0037%); highest among the groups gnomAD compares: South Asian, 0.043%; 1 homozygote.

Submissions (3):

Labcorp Genetics (formerly Invitae), Labcorp
Classification: Uncertain significance. Last evaluated: 2025-05-18. Review status: criteria provided, single submitter. Criteria: Invitae Variant Classification Sherloc (09022015). Collection method: clinical testing. Allele origin: germline.
Comment: This sequence change replaces proline, which is neutral and non-polar, with alanine, which is neutral and non-polar, at codon 97 of the NLRP1 protein (p.Pro97Ala). This variant is present in population databases (rs200363173, gnomAD 0.04%), including at least one homozygous and/or hemizygous individual. This variant has not been reported in the literature in individuals affected with NLRP1-related conditions. ClinVar contains an entry for this variant (Variation ID: 1420225). An algorithm developed to predict the effect of missense changes on protein structure and function (PolyPhen-2) suggests that this variant is likely to be tolerated. In summary, the available evidence is currently insufficient to determine the role of this variant in disease. Therefore, it has been classified as a Variant of Uncertain Significance.

Ambry Genetics
Classification: Uncertain significance for Inborn genetic diseases. Last evaluated: 2025-01-23. Review status: criteria provided, single submitter. Criteria: Ambry Variant Classification Scheme 2023. Collection method: clinical testing. Allele origin: germline.

Blueprint Genetics
Classification: Uncertain significance. Last evaluated: 2021-01-07. Review status: criteria provided, single submitter. Criteria: ACMG Guidelines, 2015. Collection method: clinical testing. Allele origin: germline.